The following is an entry in ClinVar:

NM_015272.5(RPGRIP1L):c.3603T>G (p.Tyr1201Ter)

Gene: RPGRIP1L (RPGRIP1 like; minus strand). Cytogenetic location: 16q12.2.
Variant type: single nucleotide variant.
Coding change: c.3603T>G on transcript NM_015272.5 (MANE Select); coding-DNA position 3603, T replaced by G.
Protein change: p.Tyr1201Ter; replaces tyrosine 1201 with a stop codon.
Molecular consequence: nonsense.
Genome position (GRCh38, 1-based): chr16:53,619,038, A>C on the plus strand (T>G on the coding strand, the complement: RPGRIP1L is on the minus strand). VCF-style: chr16-53619038-A-C. GRCh37 (hg19) VCF-style: chr16-53652950-A-C.
Other names: c.3363T>G, p.Tyr1121Ter (NM_001127897.4); c.3465T>G, p.Tyr1155Ter (NM_001308334.3); c.3501T>G, p.Tyr1167Ter (NM_001330538.2); short protein forms Y1121*, Y1155*, Y1167*, Y1201*.
Identifiers: ClinVar variation 4815845 (VCV004815845.1).

ClinVar aggregate classification (germline): Likely pathogenic (1 of 4 stars; one submission).

Conditions:
Joubert syndrome. Also called: Familial aplasia of the vermis; JOUBERT-BOLTSHAUSER SYNDROME; CEREBELLOPARENCHYMAL DISORDER IV. Identifiers: Orphanet 475, MedGen C5979921, MONDO:0018772.

gnomAD v4.1: 1 of 1,612,948 alleles (0.000062%); highest among the groups gnomAD compares: East Asian, 0.0022%; no homozygotes.

Submission:

Natera, Inc.
Classification: Likely pathogenic for Joubert syndrome. Last evaluated: 2025-06-30. Review status: criteria provided, single submitter. Criteria: Natera Variant Classification Schema (03/2026). Collection method: clinical testing. Allele origin: germline.
Comment: The c.3603T>G variant in RPGRIP1L is a nonsense variant predicted to introduce a stop codon at amino acid 1201. This variant is expected to result in nonsense mediated decay, truncation, or a dysfunctional protein product. This variant is rare in the general population with a frequency below the threshold expected for the associated phenotype(s). Given the available evidence, this variant is classified as Likely Pathogenic.